The following is an entry in ClinVar:

NM_025114.4(CEP290):c.5798_5799del (p.Glu1933fs)

Gene: CEP290 (centrosomal protein 290; minus strand). Cytogenetic location: 12q21.32.
Variant type: Microsatellite.
Coding change: c.5798_5799del on transcript NM_025114.4 (MANE Select); coding-DNA positions 5798 to 5799, 2 bases deleted (AG; older notation c.5798_5799delAG).
Protein change: p.Glu1933fs; shifts the reading frame from glutamic acid 1933.
Molecular consequence: frameshift variant.
Genome position (GRCh38, 1-based): chr12:88,071,837-88,071,838, CT deleted on the plus strand (AG on the coding strand, the reverse complement: CEP290 is on the minus strand); deleting any 2 consecutive bases within chr12:88,071,837-88,071,840 gives the same sequence; the c. name uses the placement nearest the transcript's 3' end. VCF-style (leftmost placement, unchanged base first): chr12-88071836-CCT-C. GRCh37 (hg19) VCF-style: chr12-88465613-CCT-C.
Other names: c.5798_5799del (NM_025114.3); short protein forms E1933fs.
Identifiers: ClinVar variation 2418782 (VCV002418782.12), dbSNP rs2035399616, ClinGen allele CA2052911457.
Genomic context (GRCh38, chr12:88,071,836, plus strand): 5'-CTCACTTGGCAAAAAGATCCTTCAAAGTATTCAACTGCTTTGTTAAAGTAAAGACTTCCC[CCT>C]CTTTCTCTTTTAACTTGTTTCGAATTCCTTCTATTTTGGCTTGCCACTTTTTACCTTCTT-3'

ClinVar aggregate classification (germline): Pathogenic/Likely pathogenic. Review status: criteria provided, multiple submitters, no conflicts (2 of 4 stars). 4 submissions from 4 submitters: Pathogenic (2); Likely pathogenic (2). Last evaluated 2025-11-12.

Conditions:
CEP290-related ciliopathy. Also called: CEP290 ciliopathy. Identifiers: MedGen CN305601, MONDO:0100451.
Meckel-Gruber syndrome. Also called: DYSENCEPHALIA SPLANCHNOCYSTICA; GRUBER SYNDROME; Dysencephalia splachnocystica. Identifiers: Orphanet 564, MedGen C0265215, MONDO:0018921.
Joubert syndrome. Also called: JOUBERT-BOLTSHAUSER SYNDROME; Familial aplasia of the vermis. Identifiers: Orphanet 475, MedGen C5979921, MONDO:0018772.
Nephronophthisis. Also called: Juvenile Nephronophthisis. Identifiers: Orphanet 655, MedGen C0687120, MONDO:0019005, HP:0000090.
Leber congenital amaurosis (LCA). Also called: Leber's amaurosis. Identifiers: Orphanet 65, MedGen C0339527, MeSH D057130, MONDO:0018998.
Bardet-Biedl syndrome 14 (BBS14). Identifiers: Orphanet 110, MedGen C2673874, MONDO:0014442, OMIM 615991.

Submissions (4):

Natera, Inc.
Classification: Likely pathogenic for Leber congenital amaurosis. Last evaluated: 2025-11-12. Review status: criteria provided, single submitter. Criteria: Natera Variant Classification Schema (03/2026). Collection method: clinical testing. Allele origin: germline.
Comment: The c.5798_5799del variant in CEP290 is a frameshift variant predicted to shift the reading frame beginning at codon 1933 and leads to a stop codon 22 codons downstream. This variant is expected to result in nonsense mediated decay, truncation, or a dysfunctional protein product. This variant is rare in the general population with a frequency below the threshold expected for the associated phenotype(s). Given the available evidence, this variant is classified as Likely Pathogenic.

Myriad Genetics, Inc.
Classification: Pathogenic for CEP290-related ciliopathy. Last evaluated: 2025-05-12. Review status: criteria provided, single submitter. Criteria: Myriad Autosomal Dominant, Autosomal Recessive and X-Linked Classification Criteria (2023). Collection method: clinical testing. Allele origin: unknown.
Comment: NM_025114.3(CEP290):c.5798_5799delAG(E1933Gfs*22) is expected to be pathogenic in the context of CEP290-related disorders. This variant is predicted to lead to an abnormal or absent protein product due to the creation of a premature termination codon in CEP290, a gene where loss-of-function variants are known to be pathogenic. Please note: this variant was assessed in the context of healthy population screening.

Baylor Genetics
Classification: Likely pathogenic for Bardet-Biedl syndrome 14. Last evaluated: 2024-01-20. Review status: criteria provided, single submitter. Criteria: ACMG Guidelines, 2015. Collection method: clinical testing. Allele origin: unknown.

Labcorp Genetics (formerly Invitae), Labcorp
Classification: Pathogenic for Joubert syndrome; Meckel-Gruber syndrome; Nephronophthisis. Last evaluated: 2022-01-22. Review status: criteria provided, single submitter. Criteria: Invitae Variant Classification Sherloc (09022015). Collection method: clinical testing. Allele origin: germline.
Comment: This sequence change creates a premature translational stop signal (p.Glu1933Glyfs*22) in the CEP290 gene. It is expected to result in an absent or disrupted protein product. Loss-of-function variants in CEP290 are known to be pathogenic (PMID: 16909394, 17345604, 20690115). This variant is not present in population databases (gnomAD no frequency). This variant has not been reported in the literature in individuals affected with CEP290-related conditions. For these reasons, this variant has been classified as Pathogenic.

Literature cited by the submitters: PubMed 16909394 (cited by Labcorp Genetics (formerly Invitae), Labcorp); PubMed 17345604 (cited by Labcorp Genetics (formerly Invitae), Labcorp); PubMed 20690115 (cited by Labcorp Genetics (formerly Invitae), Labcorp).